The following is an entry in ClinVar:

NM_005475.3(SH2B3):c.1478G>C (p.Gly493Ala)

Gene: SH2B3 (SH2B adaptor protein 3; plus strand). Cytogenetic location: 12q24.12.
Variant type: single nucleotide variant.
Coding change: c.1478G>C on transcript NM_005475.3 (MANE Select); coding-DNA position 1478, G replaced by C.
Protein change: p.Gly493Ala; replaces glycine 493 with alanine.
Molecular consequence: missense variant.
Genome position (GRCh38, 1-based): chr12:111,448,052, G>C. VCF-style: chr12-111448052-G-C. GRCh37 (hg19) VCF-style: chr12-111885856-G-C.
Other names: c.872G>C, p.Gly291Ala (NM_001291424.1); short protein forms G291A, G493A.
Identifiers: ClinVar variation 3794992 (VCV003794992.1).

ClinVar aggregate classification (germline): Uncertain significance (1 of 4 stars; one submission).

Conditions:
Inborn genetic diseases. Identifiers: MedGen C0950123, MeSH D030342.

gnomAD v4.1: 1 of 1,613,758 alleles (0.000062%); highest among the groups gnomAD compares: Non-Finnish European, 0.000085%; no homozygotes.

Submission:

Ambry Genetics
Classification: Uncertain significance for Inborn genetic diseases. Last evaluated: 2024-12-14. Review status: criteria provided, single submitter. Criteria: Ambry Variant Classification Scheme 2023. Collection method: clinical testing. Allele origin: germline.
Comment: The p.G493A variant (also known as c.1478G>C), located in coding exon 7 of the SH2B3 gene, results from a G to C substitution at nucleotide position 1478. The glycine at codon 493 is replaced by alanine, an amino acid with similar properties. This amino acid position is conserved. In addition, this alteration is predicted to be tolerated by in silico analysis. Based on the available evidence, the clinical significance of this variant remains unclear.